The following is an entry in ClinVar:

NM_000152.5(GAA):c.2772dup (p.Asn925fs)

Gene: GAA (alpha glucosidase; plus strand). Cytogenetic location: 17q25.3.
Variant type: Duplication.
Coding change: c.2772dup on transcript NM_000152.5 (MANE Select); coding-DNA position 2772, one base duplicated (C; older notation c.2772dupC).
Protein change: p.Asn925fs; shifts the reading frame from asparagine 925.
Molecular consequence: frameshift variant.
Genome position (GRCh38, 1-based): chr17:80,118,778, C duplicated; the last of 2 consecutive C bases (chr17:80,118,777-80,118,778); duplicating either gives the same sequence. VCF-style (leftmost placement, unchanged base first): chr17-80118776-T-TC. GRCh37 (hg19) VCF-style: chr17-78092575-T-TC.
Other names: c.2772dup, p.Asn925fs (NM_001079803.3, NM_001079804.3, NM_001406741.1 and 1 more transcripts); short protein forms N925fs.
Identifiers: ClinVar variation 4728105 (VCV004728105.1).
Genomic context (GRCh38, chr17:80,118,776, plus strand): 5'-GTGACTGTCCTGGGCGTGGCCACGGCGCCCCAGCAGGTCCTCTCCAACGGTGTCCCTGTC[T>TC]CCAACTTCACCTACAGCCCCGACACCAAGGCAAGAGGGCCCAGAGTGGCACAGGGATCGC-3'

ClinVar aggregate classification (germline): Pathogenic (1 of 4 stars; one submission).

Conditions:
Glycogen storage disease, type II (IOPD). Also called: Aglucosidase alfa; Deficiency of alpha-glucosidase; POMPE DISEASE, INFANTILE-ONSET; GLYCOGEN STORAGE DISEASE II, INFANTILE-ONSET; ACID ALPHA-GLUCOSIDASE DEFICIENCY, INFANTILE-ONSET; GAA DEFICIENCY, INFANTILE-ONSET. Identifiers: Orphanet 365, MedGen C0017921, MONDO:0009290, OMIM 232300.

Submission:

Labcorp Genetics (formerly Invitae), Labcorp
Classification: Pathogenic for Glycogen storage disease, type II. Last evaluated: 2025-10-20. Review status: criteria provided, single submitter. Criteria: Invitae Variant Classification Sherloc (09022015). Collection method: clinical testing. Allele origin: germline.
Comment: This sequence change is expected to alter the c-terminus of the GAA protein (p.Asn925Glnfs*93). While this is not anticipated to result in nonsense mediated decay, it is expected to disrupt the last 28 amino acid(s) of the GAA protein and extend the protein by 64 additional amino acid residues. This variant is not present in population databases (gnomAD no frequency). This variant has not been reported in the literature in individuals affected with GAA-related conditions. Algorithms developed to predict the effect of sequence changes on RNA splicing suggest that this variant may disrupt the consensus splice site. This variant disrupts a region of the GAA protein in which other variant(s) (p.Tyr928Cys) have been determined to be pathogenic (PMID: 22252923, 29122469, 31606152, 33301762, 33741225). This suggests that this is a clinically significant region of the protein, and that variants that disrupt it are likely to be disease-causing. For these reasons, this variant has been classified as Pathogenic.

Literature cited by the submitters: PubMed 22252923; PubMed 29122469; PubMed 31606152; PubMed 33301762; PubMed 33741225.